The following is an entry in ClinVar:

NM_004360.5(CDH1):c.191A>T (p.Gln64Leu)

Gene: CDH1 (cadherin 1; plus strand). Cytogenetic location: 16q22.1.
Variant type: single nucleotide variant.
Coding change: c.191A>T on transcript NM_004360.5 (MANE Select); coding-DNA position 191, A replaced by T.
Protein change: p.Gln64Leu; replaces glutamine 64 with leucine.
Molecular consequence: missense variant. On other transcripts: 5 prime UTR variant (2).
Genome position (GRCh38, 1-based): chr16:68,801,697, A>T. VCF-style: chr16-68801697-A-T. GRCh37 (hg19) VCF-style: chr16-68835600-A-T.
Other names: c.191A>T, p.Gln64Leu (NM_001317184.2); c.-1425A>T (NM_001317185.2); c.-1629A>T (NM_001317186.2); short protein forms Q64L.
Identifiers: ClinVar variation 4716471 (VCV004716471.1).

ClinVar aggregate classification (germline): Uncertain significance (1 of 4 stars; one submission).

Conditions:
Hereditary diffuse gastric adenocarcinoma (HDGC). Also called: DIFFUSE GASTRIC AND LOBULAR BREAST CANCER SYNDROME. Identifiers: Orphanet 26106, MedGen C1708349, MONDO:0007648, OMIM 137215.

Submission:

Labcorp Genetics (formerly Invitae), Labcorp
Classification: Uncertain significance for Hereditary diffuse gastric adenocarcinoma. Last evaluated: 2025-04-01. Review status: criteria provided, single submitter. Criteria: Invitae Variant Classification Sherloc (09022015). Collection method: clinical testing. Allele origin: germline.
Comment: This sequence change replaces glutamine, which is neutral and polar, with leucine, which is neutral and non-polar, at codon 64 of the CDH1 protein (p.Gln64Leu). This variant is not present in population databases (gnomAD no frequency). This variant has not been reported in the literature in individuals affected with CDH1-related conditions. An algorithm developed to predict the effect of missense changes on protein structure and function (PolyPhen-2) suggests that this variant is likely to be tolerated. In summary, the available evidence is currently insufficient to determine the role of this variant in disease. Therefore, it has been classified as a Variant of Uncertain Significance.